The following is an entry in ClinVar:

ClinVar aggregate classification (germline): Conflicting classifications of pathogenicity. Review status: criteria provided, conflicting classifications (1 of 4 stars). 4 submissions from 4 submitters: Likely pathogenic (1); Uncertain significance (3). Last evaluated 2025-07-31.

Conditions:
Inborn genetic diseases. Identifiers: MedGen C0950123, MeSH D030342.
RYR1-related disorder. Also called: RYR1-related condition; RYR1-related disorders. Identifiers: MedGen CN239331.

Submissions (4):

Women's Health and Genetics/Laboratory Corporation of America, LabCorp
Classification: Uncertain significance. Last evaluated: 2025-07-31. Review status: criteria provided, single submitter. Criteria: LabCorp Variant Classification Summary - May 2015. Collection method: clinical testing. Allele origin: germline.
Comment: Variant summary: RYR1 c.6707T>G (p.Leu2236Arg) results in a non-conservative amino acid change located in the RIH domain (IPR000699) of the encoded protein sequence. Algorithms developed to predict the effect of missense changes on protein structure and function all suggest that this variant is likely to be disruptive. The variant was absent in 251106 control chromosomes (gnomAD). The available data on variant occurrences in the general population are insufficient to allow any conclusion about variant significance. These data do not allow any conclusion about variant significance. To our knowledge, no experimental evidence demonstrating an impact on protein function has been reported. ClinVar contains an entry for this variant (Variation ID: 1023007). Based on the evidence outlined above, the variant was classified as uncertain significance.

Labcorp Genetics (formerly Invitae), Labcorp
Classification: Likely pathogenic for RYR1-related disorder. Last evaluated: 2024-03-18. Review status: criteria provided, single submitter. Criteria: Invitae Variant Classification Sherloc (09022015). Collection method: clinical testing. Allele origin: germline.
Comment: This sequence change replaces leucine, which is neutral and non-polar, with arginine, which is basic and polar, at codon 2236 of the RYR1 protein (p.Leu2236Arg). This variant is not present in population databases (gnomAD no frequency). This missense change has been observed in individual(s) with clinical features of RYR1-related conditions (Invitae). In at least one individual the data is consistent with being in trans (on the opposite chromosome) from a pathogenic variant. ClinVar contains an entry for this variant (Variation ID: 1023007). Advanced modeling of protein sequence and biophysical properties (such as structural, functional, and spatial information, amino acid conservation, physicochemical variation, residue mobility, and thermodynamic stability) performed at Invitae indicates that this missense variant is expected to disrupt RYR1 protein function with a positive predictive value of 95%. In summary, the currently available evidence indicates that the variant is pathogenic, but additional data are needed to prove that conclusively. Therefore, this variant has been classified as Likely Pathogenic.

Ambry Genetics
Classification: Uncertain significance for Inborn genetic diseases. Last evaluated: 2022-01-04. Review status: criteria provided, single submitter. Criteria: Ambry Variant Classification Scheme 2023. Collection method: clinical testing. Allele origin: germline.

Athena Diagnostics
Classification: Uncertain significance. Last evaluated: 2021-11-09. Review status: criteria provided, single submitter. Criteria: Athena Diagnostics Criteria. Collection method: clinical testing. Allele origin: unknown.

NM_000540.3(RYR1):c.6707T>G (p.Leu2236Arg)

Gene: RYR1 (ryanodine receptor 1; plus strand). Cytogenetic location: 19q13.2.
Variant type: single nucleotide variant.
Coding change: c.6707T>G on transcript NM_000540.3 (MANE Select); coding-DNA position 6707, T replaced by G.
Protein change: p.Leu2236Arg; replaces leucine 2236 with arginine.
Molecular consequence: missense variant.
Genome position (GRCh38, 1-based): chr19:38,496,452, T>G. VCF-style: chr19-38496452-T-G. GRCh37 (hg19) VCF-style: chr19-38987092-T-G.
Other names: c.6707T>G, p.Leu2236Arg (NM_001042723.2); short protein forms L2236R.
Identifiers: ClinVar variation 1023007 (VCV001023007.13), dbSNP rs1969830618, ClinGen allele CA405666255.